The following is an entry in ClinVar:

ClinVar aggregate classification (germline): Benign (1 of 4 stars; one submission).

Conditions:
Hypomaturation-hypoplastic amelogenesis imperfecta with taurodontism. Also called: Amelogenesis imperfecta, type IV. Identifiers: Orphanet 100034, Orphanet 88661, MedGen C1863012, MONDO:0007093, OMIM 104510. Disease mechanism: loss of function.

Allele frequency attached by ClinVar (database versions not stated): gnomAD 0.00043 and 0.00054; TOPMed 0.00044; 1000 Genomes Project 0.00120; 1000 Genomes Project 30x 0.00141.

Submission:

Illumina Laboratory Services, Illumina
Classification: Benign for Hypomaturation-hypoplastic amelogenesis imperfecta with taurodontism. Last evaluated: 2018-01-13. Review status: criteria provided, single submitter. Criteria: ICSL Variant Classification Criteria 13 December 2019. Collection method: clinical testing. Allele origin: germline.
Comment: This variant was observed in the ICSL laboratory as part of a predisposition screen in an ostensibly healthy population. It had not been previously curated by ICSL or reported in the Human Gene Mutation Database (HGMD: prior to June 1st, 2018), and was therefore a candidate for classification through an automated scoring system. Utilizing variant allele frequency, disease prevalence and penetrance estimates, and inheritance mode, an automated score was calculated to assess if this variant is too frequent to cause the disease. Based on the score and internal cut-off values, a variant classified as benign is not then subjected to further curation. The score for this variant resulted in a classification of benign for this disease.

NM_005220.3(DLX3):c.*868C>T

Gene: DLX3 (distal-less homeobox 3; minus strand). Cytogenetic location: 17q21.33.
Variant type: single nucleotide variant.
Coding change: c.*868C>T on transcript NM_005220.3 (MANE Select); 868 bases downstream of the stop codon, C replaced by T.
Molecular consequence: 3 prime UTR variant.
Genome position (GRCh38, 1-based): chr17:49,990,649, G>A on the plus strand (C>T on the coding strand, the complement: DLX3 is on the minus strand). VCF-style: chr17-49990649-G-A. GRCh37 (hg19) VCF-style: chr17-48068013-G-A.
Identifiers: ClinVar variation 888909 (VCV000888909.4), dbSNP rs540375923, ClinGen allele CA291505000.
Genomic context (GRCh38, chr17:49,990,649, plus strand): 5'-TATGTCTCTTTGGAGATTTGGGGTTTGGCACCAAAACTGCCAACTTACTGGAGGAGTAGA[G>A]AAGGTGAGGTGGGGGCAGGGACAGAACAGAGGCACCCTTGCAAGGGGAGACTTGGCCCTA-3'